The following is an entry in ClinVar:

NM_018486.3(HDAC8):c.910+1G>T

Gene: HDAC8 (histone deacetylase 8; minus strand). Cytogenetic location: Xq13.1.
Variant type: single nucleotide variant.
Coding change: c.910+1G>T on transcript NM_018486.3 (MANE Select); the canonical splice donor site of the intron after coding-DNA position 910, G replaced by T.
Molecular consequence: splice donor variant.
Genome position (GRCh38, 1-based): chrX:72,464,558, C>A on the plus strand (G>T on the coding strand, the complement: HDAC8 is on the minus strand). VCF-style: chrX-72464558-C-A. GRCh37 (hg19) VCF-style: chrX-71684408-C-A.
Other names: c.637+1G>T (NM_001166418.2, NM_001410728.1); c.832+1G>T (NM_001410727.1); c.910+1G>T (NM_001410725.1, NM_001410729.1).
Identifiers: ClinVar variation 3898875 (VCV003898875.1).

ClinVar aggregate classification (germline): Pathogenic (1 of 4 stars; one submission).

Submission:

GeneDx
Classification: Pathogenic. Last evaluated: 2024-11-12. Review status: criteria provided, single submitter. Criteria: GeneDx Variant Classification Process June 2021. Collection method: clinical testing. Allele origin: germline. Affected: yes.
Comment: De novo variant with confirmed parentage in patients in published literature from cohorts of individuals with developmental disorders; detailed clinical information was not provided (PMID: 31785789, 33057194); Canonical splice site variant predicted to result in a null allele in a gene for which loss of function is a known mechanism of disease; Not observed at significant frequency in large population cohorts (gnomAD); This variant is associated with the following publications: (PMID: 31785789, 33504798, 33057194, 35982159)